The following is an entry in ClinVar:

ClinVar aggregate classification (germline): Benign/Likely benign. Review status: criteria provided, multiple submitters, no conflicts (2 of 4 stars). 4 submissions from 4 submitters: Benign (1); Likely benign (3). Last evaluated 2026-01-26.

Conditions:
Primary ciliary dyskinesia. Also called: Ciliary dyskinesia. Identifiers: Orphanet 244, MedGen C0008780, MONDO:0016575, HP:0012265.

Allele frequency attached by ClinVar (database versions not stated): gnomAD exomes 0.00085; ExAC 0.00103; gnomAD 0.00331 and 0.00355; ESP Exome Variant Server 0.00361; TOPMed 0.00387; 1000 Genomes Project 30x 0.00500; 1000 Genomes Project 0.00539.
gnomAD v4.1: 1,007 of 1,614,034 alleles (0.062%); highest among the groups gnomAD compares: African/African-American, 1.2%; 9 homozygotes.

Submissions (4):

Labcorp Genetics (formerly Invitae), Labcorp
Classification: Benign for Primary ciliary dyskinesia. Last evaluated: 2026-01-26. Review status: criteria provided, single submitter. Criteria: Invitae Variant Classification Sherloc (09022015). Collection method: clinical testing. Allele origin: germline.

Blueprint Genetics
Classification: Likely benign. Last evaluated: 2024-09-24. Review status: criteria provided, single submitter. Criteria: ACMG Guidelines, 2015. Collection method: clinical testing. Allele origin: germline.

GeneDx
Classification: Likely benign. Last evaluated: 2022-04-25. Review status: criteria provided, single submitter. Criteria: GeneDx Variant Classification Process June 2021. Collection method: clinical testing. Allele origin: germline. Affected: yes.

Center for Pediatric Genomic Medicine, Children's Mercy Hospital and Clinics
Classification: Likely benign. Last evaluated: 2016-10-11. Review status: criteria provided, single submitter. Criteria: ACMG Guidelines, 2015. Collection method: clinical testing. Allele origin: germline.
ClinVar note: Converted during submission from Likely Benign to Likely benign.

NM_021147.5(CCNO):c.940G>A (p.Glu314Lys)

Gene: CCNO (cyclin O; minus strand). Cytogenetic location: 5q11.2.
Variant type: single nucleotide variant.
Coding change: c.940G>A on transcript NM_021147.5 (MANE Select); coding-DNA position 940, G replaced by A.
Protein change: p.Glu314Lys; replaces glutamic acid 314 with lysine.
Molecular consequence: missense variant. On other transcripts: non-coding transcript variant (3).
Genome position (GRCh38, 1-based): chr5:55,231,488, C>T on the plus strand (G>A on the coding strand, the complement: CCNO is on the minus strand). VCF-style: chr5-55231488-C-T. GRCh37 (hg19) VCF-style: chr5-54527316-C-T.
Other names: short protein forms E314K.
Identifiers: ClinVar variation 377161 (VCV000377161.17), dbSNP rs114088695, ClinGen allele CA3266654.